The following is an entry in ClinVar:

NM_004655.4(AXIN2):c.665G>C (p.Cys222Ser)

Gene: AXIN2 (axin 2; minus strand). Cytogenetic location: 17q24.1.
Variant type: single nucleotide variant.
Coding change: c.665G>C on transcript NM_004655.4 (MANE Select); coding-DNA position 665, G replaced by C.
Protein change: p.Cys222Ser; replaces cysteine 222 with serine.
Molecular consequence: missense variant.
Genome position (GRCh38, 1-based): chr17:65,557,956, C>G on the plus strand (G>C on the coding strand, the complement: AXIN2 is on the minus strand). VCF-style: chr17-65557956-C-G. GRCh37 (hg19) VCF-style: chr17-63554074-C-G.
Other names: c.665G>C, p.Cys222Ser (NM_001363813.1); short protein forms C222S.
Identifiers: ClinVar variation 5032511 (VCV005032511.1).
Genomic context (GRCh38, chr17:65,557,956, plus strand): 5'-TTGCACTTGAAGTCGGCACAAGTCCACTCCTCTTCTTCATTCAAGGTGGGGAGATAGCCA[C>G]ACACGACCTTTAGGCTCCCGAGTCCCCCATTACTCATGTAAGCTGTGTTTTCTCCCCCAC-3'
Protein context (NP_004646.3, residues 212-232): NGGLGSLKVV[Cys222Ser]GYLPTLNEEE

ClinVar aggregate classification (germline): Uncertain significance (1 of 4 stars; one submission).

Conditions:
Hereditary cancer-predisposing syndrome. Also called: Neoplastic Syndromes, Hereditary; Tumor predisposition; Hereditary neoplastic syndrome; Hereditary Cancer Syndrome. Identifiers: Orphanet 140162, MedGen C0027672, MeSH D009386, MONDO:0015356.

Submission:

Ambry Genetics
Classification: Uncertain significance for Hereditary cancer-predisposing syndrome. Last evaluated: 2026-07-07. Review status: criteria provided, single submitter. Criteria: Ambry Variant Classification Scheme 2023. Collection method: clinical testing. Allele origin: germline.
Comment: The p.C222S variant (also known as c.665G>C), located in coding exon 1 of the AXIN2 gene, results from a G to C substitution at nucleotide position 665. The cysteine at codon 222 is replaced by serine, an amino acid with dissimilar properties. This amino acid position is conserved. In addition, the in silico prediction for this alteration is inconclusive. Based on the available evidence, the clinical significance of this variant remains unclear.